The following is an entry in ClinVar:

ClinVar aggregate classification (germline): Likely benign (1 of 4 stars; one submission).

Conditions:
Leigh syndrome (NULS). Also called: Leigh's necrotizing encephalopathy; Leigh's disease; Leigh's syndrome; LEIGH SYNDROME, NUCLEAR; Leigh Syndrome (mtDNA deletion); Leigh Disease. Identifiers: Orphanet 506, MedGen C2931891, MONDO:0009723, OMIM 256000.

Submission:

Wong Mito Lab, Molecular and Human Genetics, Baylor College of Medicine
Classification: Likely benign for Leigh syndrome. Last evaluated: 2019-10-17. Review status: criteria provided, single submitter. Criteria: Modified ACMG Guidelines (Unpublished). Collection method: clinical testing. Allele origin: germline.
Comment: The NC_012920.1:m.14832C>T (YP_003024038.1:p.Ala29Val) variant in MTCYB gene is interpretated to be a Likely Benign variant based on the modified ACMG guidelines (unpublished). This variant meets the following evidence codes: BP4, BP6

NC_012920.1(MT-CYB):m.14832C>T

Gene: MT-CYB (mitochondrially encoded cytochrome b; plus strand).
Variant type: single nucleotide variant.
Genome position: chrM-14832-C-T.
Identifiers: ClinVar variation 693774 (VCV000693774.1), dbSNP rs1603224915, ClinGen allele CA913172216.